The following is an entry in ClinVar:

NM_000718.4(CACNA1B):c.6179G>T (p.Arg2060Met)

Gene: CACNA1B (calcium voltage-gated channel subunit alpha1 B; plus strand). Cytogenetic location: 9q34.3.
Variant type: single nucleotide variant.
Coding change: c.6179G>T on transcript NM_000718.4 (MANE Select); coding-DNA position 6179, G replaced by T.
Protein change: p.Arg2060Met; replaces arginine 2060 with methionine.
Molecular consequence: missense variant.
Genome position (GRCh38, 1-based): chr9:138,120,313, G>T. VCF-style: chr9-138120313-G-T. GRCh37 (hg19) VCF-style: chr9-141014765-G-T.
Other names: c.6179G>T, p.Arg2060Met (NM_001243812.2); short protein forms R2060M.
Identifiers: ClinVar variation 2101030 (VCV002101030.4), dbSNP rs557627895, ClinGen allele CA375822318.

ClinVar aggregate classification (germline): Uncertain significance (1 of 4 stars; one submission).

Submission:

Labcorp Genetics (formerly Invitae), Labcorp
Classification: Uncertain significance. Last evaluated: 2022-02-21. Review status: criteria provided, single submitter. Criteria: Invitae Variant Classification Sherloc (09022015). Collection method: clinical testing. Allele origin: germline.
Comment: In summary, the available evidence is currently insufficient to determine the role of this variant in disease. Therefore, it has been classified as a Variant of Uncertain Significance. Advanced modeling of protein sequence and biophysical properties (such as structural, functional, and spatial information, amino acid conservation, physicochemical variation, residue mobility, and thermodynamic stability) performed at Invitae indicates that this missense variant is not expected to disrupt CACNA1B protein function. This variant has not been reported in the literature in individuals affected with CACNA1B-related conditions. This variant is not present in population databases (gnomAD no frequency). This sequence change replaces arginine, which is basic and polar, with methionine, which is neutral and non-polar, at codon 2060 of the CACNA1B protein (p.Arg2060Met).